The following is an entry in ClinVar:

NM_001354712.2(THRB):c.*3017C>T

Gene: THRB (thyroid hormone receptor beta; minus strand). Cytogenetic location: 3p24.2.
Variant type: single nucleotide variant.
Coding change: c.*3017C>T on transcript NM_001354712.2 (MANE Select); 3017 bases downstream of the stop codon, C replaced by T.
Molecular consequence: 3 prime UTR variant.
Genome position (GRCh38, 1-based): chr3:24,119,867, G>A on the plus strand (C>T on the coding strand, the complement: THRB is on the minus strand). VCF-style: chr3-24119867-G-A. GRCh37 (hg19) VCF-style: chr3-24161358-G-A.
Other names: c.*3017C>T (NM_000461.5, NM_001128176.3, NM_001128177.2 and 8 more transcripts).
Identifiers: ClinVar variation 344582 (VCV000344582.5), dbSNP rs144174027, ClinGen allele CA10616031.
Genomic context (GRCh38, chr3:24,119,867, plus strand): 5'-CATTGTTTCTGGAAATACTGCACGTCTAAATTGAGCAAAGTACACTTGAGGGTCACACAC[G>A]CACGCGCATACACTCACACGCACACACGCCCCACACCGCTCATCCCTAAAAGGGAAGTGA-3'

ClinVar aggregate classification (germline): Benign (1 of 4 stars; one submission).

Conditions:
Thyroid hormone resistance, generalized, autosomal dominant (GRTHD). Also called: HYPERTHYROXINEMIA, FAMILIAL EUTHYROID, SECONDARY TO PITUITARY AND PERIPHERAL RESISTANCE TO THYROID HORMONES. Identifiers: MedGen C2937288, MONDO:0008569, OMIM 188570.

Allele frequency attached by ClinVar (database versions not stated): gnomAD 0.00070 and 0.00071; TOPMed 0.00079; 1000 Genomes Project 30x 0.00094; 1000 Genomes Project 0.00100.

Submission:

Illumina Laboratory Services, Illumina
Classification: Benign for Thyroid hormone resistance, generalized, autosomal dominant. Last evaluated: 2018-01-13. Review status: criteria provided, single submitter. Criteria: ICSL Variant Classification Criteria 13 December 2019. Collection method: clinical testing. Allele origin: germline.
Comment: This variant was observed in the ICSL laboratory as part of a predisposition screen in an ostensibly healthy population. It had not been previously curated by ICSL or reported in the Human Gene Mutation Database (HGMD: prior to June 1st, 2018), and was therefore a candidate for classification through an automated scoring system. Utilizing variant allele frequency, disease prevalence and penetrance estimates, and inheritance mode, an automated score was calculated to assess if this variant is too frequent to cause the disease. Based on the score and internal cut-off values, a variant classified as benign is not then subjected to further curation. The score for this variant resulted in a classification of benign for this disease.